The following is an entry in ClinVar:

ClinVar aggregate classification (germline): Uncertain significance (1 of 4 stars; one submission).

Conditions:
Pyridoxine-dependent epilepsy (EPEO4). Also called: Pyridoxine-Dependent Seizures; Pyridoxine-Dependent Epilepsy - ALDH7A1; PYRIDOXINE DEPENDENCY WITH SEIZURES; EPILEPSY, EARLY-ONSET, 4, VITAMIN B6-DEPENDENT. Identifiers: Orphanet 3006, MedGen C1849508, MONDO:0009945, OMIM 266100. Disease mechanism: loss of function.

Allele frequency attached by ClinVar (database versions not stated): gnomAD exomes below 0.00001.
gnomAD v4.1: 2 of 1,613,546 alleles (0.00012%); highest among the groups gnomAD compares: East Asian, 0.0022%; no homozygotes.

Submission:

Labcorp Genetics (formerly Invitae), Labcorp
Classification: Uncertain significance for Pyridoxine-dependent epilepsy. Last evaluated: 2022-07-20. Review status: criteria provided, single submitter. Criteria: Invitae Variant Classification Sherloc (09022015). Collection method: clinical testing. Allele origin: germline.
Comment: This sequence change replaces alanine, which is neutral and non-polar, with valine, which is neutral and non-polar, at codon 309 of the ALDH7A1 protein (p.Ala309Val). This variant is present in population databases (no rsID available, gnomAD 0.0009%). This variant has not been reported in the literature in individuals affected with ALDH7A1-related conditions. Advanced modeling of protein sequence and biophysical properties (such as structural, functional, and spatial information, amino acid conservation, physicochemical variation, residue mobility, and thermodynamic stability) performed at Invitae indicates that this missense variant is expected to disrupt ALDH7A1 protein function. In summary, the available evidence is currently insufficient to determine the role of this variant in disease. Therefore, it has been classified as a Variant of Uncertain Significance.

NM_001182.5(ALDH7A1):c.926C>T (p.Ala309Val)

Gene: ALDH7A1 (aldehyde dehydrogenase 7 family member A1; minus strand). Cytogenetic location: 5q23.2.
Variant type: single nucleotide variant.
Coding change: c.926C>T on transcript NM_001182.5 (MANE Select); coding-DNA position 926, C replaced by T.
Protein change: p.Ala309Val; replaces alanine 309 with valine.
Molecular consequence: missense variant.
Genome position (GRCh38, 1-based): chr5:126,559,322, G>A on the plus strand (C>T on the coding strand, the complement: ALDH7A1 is on the minus strand). VCF-style: chr5-126559322-G-A. GRCh37 (hg19) VCF-style: chr5-125895014-G-A.
Other names: c.842C>T, p.Ala281Val (NM_001201377.2); c.926C>T, p.Ala309Val (NM_001202404.2); short protein forms A309V, A281V.
Identifiers: ClinVar variation 2153003 (VCV002153003.1), dbSNP rs1027541359, ClinGen allele CA126889906.